The following is an entry in ClinVar:

NM_000155.4(GALT):c.425T>C (p.Met142Thr)

Gene: GALT (galactose-1-phosphate uridylyltransferase; plus strand). Cytogenetic location: 9p13.3.
Variant type: single nucleotide variant.
Coding change: c.425T>C on transcript NM_000155.4 (MANE Select); coding-DNA position 425, T replaced by C.
Protein change: p.Met142Thr; replaces methionine 142 with threonine.
Molecular consequence: missense variant.
Genome position (GRCh38, 1-based): chr9:34,647,879, T>C. VCF-style: chr9-34647879-T-C. GRCh37 (hg19) VCF-style: chr9-34647876-T-C.
Other names: c.98T>C, p.Met33Thr (NM_001258332.2); c.425T>C (NM_000155.3); short protein forms M33T.
Identifiers: ClinVar variation 1458954 (VCV001458954.8), dbSNP rs111033695, ClinGen allele CA259390.

ClinVar aggregate classification (germline): Pathogenic/Likely pathogenic. Review status: criteria provided, multiple submitters, no conflicts (2 of 4 stars). 3 submissions from 3 submitters: Pathogenic (1); Likely pathogenic (2). Last evaluated 2025-06-09.

Conditions:
Deficiency of UDPglucose-hexose-1-phosphate uridylyltransferase. Also called: GALACTOSE-1-PHOSPHATE URIDYLYLTRANSFERASE DEFICIENCY; Transferase Deficiency Galactosemia; GALACTOSEMIA I; GALT deficiency; Galactosemia, classic. Identifiers: Orphanet 352, Orphanet 79239, MedGen C0268151, MONDO:0009258, OMIM 230400.
Galactosemia. Also called: Galactose intolerance. Identifiers: Orphanet 352, MedGen C0016952, MONDO:0018116, HP:0004919. Disease mechanism: loss of function.

Submissions (3):

Natera, Inc.
Classification: Likely pathogenic for Galactosemia. Last evaluated: 2025-06-09. Review status: criteria provided, single submitter. Criteria: Natera Variant Classification Schema (03/2026). Collection method: clinical testing. Allele origin: germline.
Comment: The c.425T>C variant in GALT is a missense variant predicted to cause substitution of methionine to threonine at amino acid 142. This variant is rare in the general population with a frequency below the threshold expected for the associated phenotype(s). This variant has been observed in one or more individuals affected with the associated recessive disease, as either homozygous or compound heterozygous with a second variant (PMID: 15775761). A different variant at the same position has been determined to be Pathogenic or Likely Pathogenic. Computational prediction algorithms indicate this variant is likely to affect gene or protein function. Given the available evidence, this variant is classified as Likely Pathogenic.

Women's Health and Genetics/Laboratory Corporation of America, LabCorp
Classification: Likely pathogenic for Deficiency of UDPglucose-hexose-1-phosphate uridylyltransferase. Last evaluated: 2025-02-19. Review status: criteria provided, single submitter. Criteria: LabCorp Variant Classification Summary - May 2015. Collection method: clinical testing. Allele origin: germline.
Comment: Variant summary: GALT c.425T>C (p.Met142Thr) results in a non-conservative amino acid change located in the Galactose-1-phosphate uridyl transferase, N-terminal domain (IPR005849) of the encoded protein sequence. Five of five in-silico tools predict a damaging effect of the variant on protein function. The variant allele was found at a frequency of 4e-06 in 251496 control chromosomes. c.425T>C has been reported in the literature in at least one compound heterozygous individual affected with GALT deficiency (e.g., Zaffanello_2005). A different variant affecting the same codon has been classified as pathogenic by our lab (c.425T>A, p.Met124Lys), supporting the critical relevance of codon 142 to GALT protein function. To our knowledge, no experimental evidence demonstrating an impact on protein function has been reported. The following publication has been ascertained in the context of this evaluation (PMID: 15775761). ClinVar contains an entry for this variant (Variation ID: 1458954). Based on the evidence outlined above, the variant was classified as likely pathogenic.

Labcorp Genetics (formerly Invitae), Labcorp
Classification: Pathogenic for Deficiency of UDPglucose-hexose-1-phosphate uridylyltransferase. Last evaluated: 2024-01-19. Review status: criteria provided, single submitter. Criteria: Invitae Variant Classification Sherloc (09022015). Collection method: clinical testing. Allele origin: germline.
Comment: This sequence change replaces methionine, which is neutral and non-polar, with threonine, which is neutral and polar, at codon 142 of the GALT protein (p.Met142Thr). This variant is present in population databases (rs111033695, gnomAD 0.0009%). This missense change has been observed in individual(s) with galactosemia (PMID: 25592817). ClinVar contains an entry for this variant (Variation ID: 1458954). Advanced modeling of protein sequence and biophysical properties (such as structural, functional, and spatial information, amino acid conservation, physicochemical variation, residue mobility, and thermodynamic stability) performed at Invitae indicates that this missense variant is expected to disrupt GALT protein function with a positive predictive value of 95%. This variant disrupts the p.Met142 amino acid residue in GALT. Other variant(s) that disrupt this residue have been determined to be pathogenic (PMID: 2011574, 10384398, 10960497, 17041746, 20213376). This suggests that this residue is clinically significant, and that variants that disrupt this residue are likely to be disease-causing. For these reasons, this variant has been classified as Pathogenic.

Literature cited by the submitters: PubMed 15775761 (cited by Natera, Inc. and Women's Health and Genetics/Laboratory Corporation of America, LabCorp); PubMed 25592817 (cited by Labcorp Genetics (formerly Invitae), Labcorp); PubMed 2011574 (cited by Labcorp Genetics (formerly Invitae), Labcorp); PubMed 10384398 (cited by Labcorp Genetics (formerly Invitae), Labcorp); PubMed 10960497 (cited by Labcorp Genetics (formerly Invitae), Labcorp); PubMed 17041746 (cited by Labcorp Genetics (formerly Invitae), Labcorp); PubMed 20213376 (cited by Labcorp Genetics (formerly Invitae), Labcorp).